The following is an entry in ClinVar:

ClinVar aggregate classification (germline): Uncertain significance. Review status: criteria provided, multiple submitters, no conflicts (2 of 4 stars). 4 submissions from 4 submitters: Uncertain significance (4). Last evaluated 2022-10-31.

Conditions:
Charcot-Marie-Tooth disease axonal type 2V. Also called: CHARCOT-MARIE-TOOTH NEUROPATHY, TYPE 2V; CHARCOT-MARIE-TOOTH DISEASE, AXONAL, AUTOSOMAL DOMINANT, TYPE 2V. Identifiers: Orphanet 447964, MedGen C5569050, MONDO:0014665, OMIM 616491.
Mucopolysaccharidosis, MPS-III-B (MPS3B). Also called: Mucopolysaccharidosis type IIIB (Sanfilippo B); MPS IIIB (Sanfilippo Syndrome Type B); MPS III B; N-ACETYL-ALPHA-D-GLUCOSAMINIDASE DEFICIENCY; NAGLU DEFICIENCY; MUCOPOLYSACCHARIDOSIS, TYPE IIIB. Identifiers: Orphanet 79270, MedGen C0086648, MONDO:0009656, OMIM 252920.
Inborn genetic diseases. Identifiers: MedGen C0950123, MeSH D030342.

Allele frequency attached by ClinVar (database versions not stated): gnomAD exomes 0.00002 and 0.00005; ESP Exome Variant Server 0.00008; ExAC 0.00006; gnomAD 0.00015; 1000 Genomes Project 30x 0.00016; TOPMed 0.00012.

Submissions (4):

Labcorp Genetics (formerly Invitae), Labcorp
Classification: Uncertain significance for Charcot-Marie-Tooth disease axonal type 2V; Mucopolysaccharidosis, MPS-III-B. Last evaluated: 2022-10-31. Review status: criteria provided, single submitter. Criteria: Invitae Variant Classification Sherloc (09022015). Collection method: clinical testing. Allele origin: germline.
Comment: This sequence change replaces arginine, which is basic and polar, with tryptophan, which is neutral and slightly polar, at codon 499 of the NAGLU protein (p.Arg499Trp). This variant is present in population databases (rs200981229, gnomAD 0.03%). This variant has not been reported in the literature in individuals affected with NAGLU-related conditions. ClinVar contains an entry for this variant (Variation ID: 323300). Advanced modeling of protein sequence and biophysical properties (such as structural, functional, and spatial information, amino acid conservation, physicochemical variation, residue mobility, and thermodynamic stability) has been performed at Invitae for this missense variant, however the output from this modeling did not meet the statistical confidence thresholds required to predict the impact of this variant on NAGLU protein function. In summary, the available evidence is currently insufficient to determine the role of this variant in disease. Therefore, it has been classified as a Variant of Uncertain Significance.

Blueprint Genetics
Classification: Uncertain significance. Last evaluated: 2022-10-24. Review status: criteria provided, single submitter. Criteria: ACMG Guidelines, 2015. Collection method: clinical testing. Allele origin: germline.

Ambry Genetics
Classification: Uncertain significance for Inborn genetic diseases. Last evaluated: 2022-06-07. Review status: criteria provided, single submitter. Criteria: Ambry Variant Classification Scheme 2023. Collection method: clinical testing. Allele origin: germline.

Illumina Laboratory Services, Illumina
Classification: Uncertain significance for Mucopolysaccharidosis, MPS-III-B. Last evaluated: 2018-01-12. Review status: criteria provided, single submitter. Criteria: ICSL Variant Classification Criteria 13 December 2019. Collection method: clinical testing. Allele origin: germline.

Literature cited by the submitters: PubMed 29979746 (cited by Ambry Genetics).

NM_000263.4(NAGLU):c.1495C>T (p.Arg499Trp)

Gene: NAGLU (N-acetyl-alpha-glucosaminidase; plus strand). Cytogenetic location: 17q21.2.
Variant type: single nucleotide variant.
Coding change: c.1495C>T on transcript NM_000263.4 (MANE Select); coding-DNA position 1495, C replaced by T.
Protein change: p.Arg499Trp; replaces arginine 499 with tryptophan.
Molecular consequence: missense variant.
Genome position (GRCh38, 1-based): chr17:42,543,501, C>T. VCF-style: chr17-42543501-C-T. GRCh37 (hg19) VCF-style: chr17-40695519-C-T.
Other names: short protein forms R499W.
Identifiers: ClinVar variation 323300 (VCV000323300.8), dbSNP rs200981229, ClinGen allele CA8577037.
Genomic context (GRCh38, chr17:42,543,501, plus strand): 5'-GCCGCCCGGCGGTATGGGGTCTCCCACCCGGACGCAGGGGCAGCGTGGAGGCTACTGCTC[C>T]GGAGTGTGTACAACTGCTCCGGGGAGGCCTGCAGGGGCCACAATCGTAGCCCGCTGGTCA-3'
Protein context (NP_000254.2, residues 489-509): DAGAAWRLLL[Arg499Trp]SVYNCSGEAC